The following is an entry in ClinVar:

NM_006005.3(WFS1):c.713-1G>T

Gene: WFS1 (wolframin ER transmembrane glycoprotein; plus strand). Cytogenetic location: 4p16.1.
Variant type: single nucleotide variant.
Coding change: c.713-1G>T on transcript NM_006005.3 (MANE Select); the canonical splice acceptor site of the intron before coding-DNA position 713, G replaced by T.
Molecular consequence: splice acceptor variant.
Genome position (GRCh38, 1-based): chr4:6,295,040, G>T. VCF-style: chr4-6295040-G-T. GRCh37 (hg19) VCF-style: chr4-6296767-G-T.
Other names: c.713-1G>T (NM_001145853.1).
Identifiers: ClinVar variation 2751746 (VCV002751746.3), dbSNP rs2474181432, ClinGen allele CA356172374.

ClinVar aggregate classification (germline): Likely pathogenic (1 of 4 stars; one submission).

Submission:

Labcorp Genetics (formerly Invitae), Labcorp
Classification: Likely pathogenic. Last evaluated: 2023-08-10. Review status: criteria provided, single submitter. Criteria: Invitae Variant Classification Sherloc (09022015). Collection method: clinical testing. Allele origin: germline.
Comment: In summary, the currently available evidence indicates that the variant is pathogenic, but additional data are needed to prove that conclusively. Therefore, this variant has been classified as Likely Pathogenic. Algorithms developed to predict the effect of sequence changes on RNA splicing suggest that this variant may disrupt the consensus splice site. This variant has not been reported in the literature in individuals affected with WFS1-related conditions. This variant is not present in population databases (gnomAD no frequency). This sequence change affects an acceptor splice site in intron 6 of the WFS1 gene. It is expected to disrupt RNA splicing. Variants that disrupt the donor or acceptor splice site typically lead to a loss of protein function (PMID: 16199547), and loss-of-function variants in WFS1 are known to be pathogenic (PMID: 12955714).

Literature cited by the submitters: PubMed 16199547; PubMed 12955714.